The following is an entry in ClinVar:

ClinVar aggregate classification (germline): Likely benign (0 of 4 stars; one submission).

Conditions:
C1R-related disorder. Also called: C1R-related condition.

Allele frequency attached by ClinVar (database versions not stated): gnomAD exomes 0.00006; ExAC 0.00027; ESP Exome Variant Server 0.00078; gnomAD 0.00083; TOPMed 0.00094; 1000 Genomes Project 0.00140; 1000 Genomes Project 30x 0.00141.
gnomAD v4.1: 216 of 1,613,930 alleles (0.013%); highest among the groups gnomAD compares: African/African-American, 0.23%; no homozygotes.

Submission:

PreventionGenetics, part of Exact Sciences
Classification: Likely benign for C1R-related condition. Last evaluated: 2024-02-01. Review status: no assertion criteria provided. Collection method: clinical testing. Allele origin: germline.
Comment: This variant is classified as likely benign based on ACMG/AMP sequence variant interpretation guidelines (Richards et al. 2015 PMID: 25741868, with internal and published modifications).

NM_001733.7(C1R):c.2013G>A (p.Thr671=)

Gene: C1R (complement C1r; minus strand). Cytogenetic location: 12p13.31.
Variant type: single nucleotide variant.
Coding change: c.2013G>A on transcript NM_001733.7 (MANE Select); coding-DNA position 2013, G replaced by A.
Protein change: p.Thr671=; no amino-acid change (threonine 671 retained).
Molecular consequence: synonymous variant.
Genome position (GRCh38, 1-based): chr12:7,080,637, C>T on the plus strand (G>A on the coding strand, the complement: C1R is on the minus strand). VCF-style: chr12-7080637-C-T. GRCh37 (hg19) VCF-style: chr12-7187941-C-T.
Other names: c.2055G>A, p.Thr685= (NM_001354346.2).
Identifiers: ClinVar variation 3034287 (VCV003034287.2), dbSNP rs202082509, ClinGen allele CA6423920.